The following is an entry in ClinVar:

NM_014049.5(ACAD9):c.361T>G (p.Ser121Ala)

Gene: ACAD9 (acyl-CoA dehydrogenase family member 9; plus strand). Cytogenetic location: 3q21.3.
Variant type: single nucleotide variant.
Coding change: c.361T>G on transcript NM_014049.5 (MANE Select); coding-DNA position 361, T replaced by G.
Protein change: p.Ser121Ala; replaces serine 121 with alanine.
Molecular consequence: missense variant. On other transcripts: non-coding transcript variant (1).
Genome position (GRCh38, 1-based): chr3:128,895,324, T>G. VCF-style: chr3-128895324-T-G. GRCh37 (hg19) VCF-style: chr3-128614167-T-G.
Other names: c.-9T>G (NM_001410805.1); short protein forms S121A.
Identifiers: ClinVar variation 2143269 (VCV002143269.1), dbSNP rs1935539505, ClinGen allele CA354433036.

ClinVar aggregate classification (germline): Uncertain significance (1 of 4 stars; one submission).

Allele frequency attached by ClinVar (database versions not stated): gnomAD exomes below 0.00001; TOPMed 0.00001.
gnomAD v4.1: 5 of 1,612,184 alleles (0.00031%); highest among the groups gnomAD compares: Non-Finnish European, 0.00034%; no homozygotes.

Submission:

Labcorp Genetics (formerly Invitae), Labcorp
Classification: Uncertain significance. Last evaluated: 2022-04-30. Review status: criteria provided, single submitter. Criteria: Invitae Variant Classification Sherloc (09022015). Collection method: clinical testing. Allele origin: germline.
Comment: This sequence change replaces serine, which is neutral and polar, with alanine, which is neutral and non-polar, at codon 121 of the ACAD9 protein (p.Ser121Ala). This variant is not present in population databases (gnomAD no frequency). This variant has not been reported in the literature in individuals affected with ACAD9-related conditions. Algorithms developed to predict the effect of missense changes on protein structure and function are either unavailable or do not agree on the potential impact of this missense change (SIFT: "Deleterious"; PolyPhen-2: "Probably Damaging"; Align-GVGD: "Class C0"). In summary, the available evidence is currently insufficient to determine the role of this variant in disease. Therefore, it has been classified as a Variant of Uncertain Significance.